The following is an entry in ClinVar:

ClinVar aggregate classification (germline): Likely benign (0 of 4 stars; one submission).

Conditions:
KSR2-related disorder. Also called: KSR2-related condition.

Submission:

PreventionGenetics, part of Exact Sciences
Classification: Likely benign for KSR2-related condition. Last evaluated: 2021-09-09. Review status: no assertion criteria provided. Collection method: clinical testing. Allele origin: germline.
Comment: This variant is classified as likely benign based on ACMG/AMP sequence variant interpretation guidelines (Richards et al. 2015 PMID: 25741868, with internal and published modifications).

NM_173598.6(KSR2):c.2175C>T (p.Phe725=)

Gene: KSR2 (kinase suppressor of ras 2; minus strand). Cytogenetic location: 12q24.22.
Variant type: single nucleotide variant.
Coding change: c.2175C>T on transcript NM_173598.6 (MANE Select); coding-DNA position 2175, C replaced by T.
Protein change: p.Phe725=; no amino-acid change (phenylalanine 725 retained).
Molecular consequence: synonymous variant.
Genome position (GRCh38, 1-based): chr12:117,524,896, G>A on the plus strand (C>T on the coding strand, the complement: KSR2 is on the minus strand). VCF-style: chr12-117524896-G-A. GRCh37 (hg19) VCF-style: chr12-117962701-G-A.
Identifiers: ClinVar variation 3355208 (VCV003355208.1).